The following is an entry in ClinVar:

ClinVar aggregate classification (germline): Conflicting classifications of pathogenicity. Review status: criteria provided, conflicting classifications (1 of 4 stars). 3 submissions from 3 submitters: Uncertain significance (2); Benign (1). Last evaluated 2026-09-08.

Conditions:
Inborn genetic diseases. Identifiers: MedGen C0950123, MeSH D030342.
Episodic ataxia type 2 (EA2). Also called: ACETAZOLAMIDE-RESPONSIVE HEREDITARY PAROXYSMAL CEREBELLAR ATAXIA; EPISODIC ATAXIA, NYSTAGMUS-ASSOCIATED; ATAXIA, EPISODIC, WITH NYSTAGMUS; ATAXIA, FAMILIAL PAROXYSMAL; CEREBELLAR ATAXIA, PAROXYSMAL, ACETAZOLAMIDE-RESPONSIVE; CEREBELLOPATHY, HEREDITARY PAROXYSMAL. Identifiers: Orphanet 97, MedGen C1720416, MONDO:0007163, OMIM 108500.
Developmental and epileptic encephalopathy, 42 (DEE42A). Also called: Epileptic encephalopathy, early infantile, 42; DEVELOPMENTAL AND EPILEPTIC ENCEPHALOPATHY 42A; EPILEPTIC ENCEPHALOPATHY, EARLY INFANTILE, 42A. Identifiers: MedGen C4310716, MONDO:0014917, OMIM 617106.

Allele frequency attached by ClinVar (database versions not stated): gnomAD 0.00006; TOPMed 0.00007; ESP Exome Variant Server 0.00009.
gnomAD v4.1: 6 of 1,593,836 alleles (0.00038%); highest among the groups gnomAD compares: African/African-American, 0.0067%; no homozygotes.

Submissions (3):

Ambry Genetics
Classification: Uncertain significance for Inborn genetic diseases. Last evaluated: 2026-09-08. Review status: criteria provided, single submitter. Criteria: Ambry Variant Classification Scheme 2023. Collection method: clinical testing. Allele origin: germline.
Comment: The c.2752G>A (p.E918K) alteration is located in exon 19 (coding exon 19) of the CACNA1A gene. This alteration results from a G to A substitution at nucleotide position 2752, causing the glutamic acid (E) at amino acid position 918 to be replaced by a lysine (K). Based on data from gnomAD, the A allele has an overall frequency of 0.001% (3/249006) total alleles studied. The highest observed frequency was 0.014% (3/21388) of African alleles. Based on insufficient or conflicting evidence, the clinical significance of this alteration remains unclear.

Labcorp Genetics (formerly Invitae), Labcorp
Classification: Benign for Developmental and epileptic encephalopathy, 42; Episodic ataxia type 2. Last evaluated: 2023-05-31. Review status: criteria provided, single submitter. Criteria: Invitae Variant Classification Sherloc (09022015). Collection method: clinical testing. Allele origin: germline.

GeneDx
Classification: Uncertain significance. Last evaluated: 2021-04-15. Review status: criteria provided, single submitter. Criteria: GeneDx Variant Classification Process June 2021. Collection method: clinical testing. Allele origin: germline. Affected: yes.
Comment: In silico analysis supports that this missense variant does not alter protein structure/function; Has not been previously published as pathogenic or benign to our knowledge

Literature cited by the submitters: PubMed 31440721 (cited by Ambry Genetics).

NM_001127222.2(CACNA1A):c.2749G>A (p.Glu917Lys)

Gene: CACNA1A (calcium voltage-gated channel subunit alpha1 A; minus strand). Cytogenetic location: 19p13.13.
Variant type: single nucleotide variant.
Coding change: c.2749G>A on transcript NM_001127222.2 (MANE Select); coding-DNA position 2749, G replaced by A.
Protein change: p.Glu917Lys; replaces glutamic acid 917 with lysine.
Molecular consequence: missense variant.
Genome position (GRCh38, 1-based): chr19:13,298,884, C>T on the plus strand (G>A on the coding strand, the complement: CACNA1A is on the minus strand). VCF-style: chr19-13298884-C-T. GRCh37 (hg19) VCF-style: chr19-13409698-C-T.
Other names: c.2761G>A, p.Glu921Lys (NM_000068.4, NM_023035.3); c.2752G>A, p.Glu918Lys (NM_001127221.2, NM_001174080.2); short protein forms E918K, E917K, E921K.
Identifiers: ClinVar variation 450508 (VCV000450508.14), dbSNP rs368081042, ClinGen allele CA305506396.